The following is an entry in ClinVar:

ClinVar aggregate classification (germline): Uncertain significance. Review status: criteria provided, multiple submitters, no conflicts (2 of 4 stars). 4 submissions from 4 submitters: Uncertain significance (4). Last evaluated 2026-07-15.

Conditions:
TTN-related disorder. Also called: TTN-related disorders; TTN-related condition; TTN-related disease.
Cardiovascular phenotype. Identifiers: MedGen CN230736.

Allele frequency attached by ClinVar (database versions not stated): gnomAD exomes 0.00001 and 0.00010; ExAC 0.00002; TOPMed 0.00005; gnomAD 0.00006; ESP Exome Variant Server 0.00023.
gnomAD v4.1: 160 of 1,613,990 alleles (0.0099%); highest among the groups gnomAD compares: Non-Finnish European, 0.013%; no homozygotes.

Submissions (4):

PreventionGenetics, part of Exact Sciences
Classification: Uncertain significance for TTN-related condition. Last evaluated: 2026-07-15. Review status: criteria provided, single submitter. Criteria: ACMG Guidelines, 2015. Collection method: clinical testing. Allele origin: germline.
Comment: The TTN c.4462A>G variant is predicted to result in the amino acid substitution p.Thr1488Ala. To our knowledge, this variant has not been reported in the literature. This variant is reported in 0.0080% of alleles in individuals of African descent in gnomAD. Although we suspect that this variant may be benign, at this time, the clinical significance of this variant is uncertain due to the absence of conclusive functional and genetic evidence.

GeneDx
Classification: Uncertain significance. Last evaluated: 2024-08-05. Review status: criteria provided, single submitter. Criteria: GeneDx Variant Classification Process June 2021. Collection method: clinical testing. Allele origin: germline. Affected: yes.
Comment: Not observed at significant frequency in large population cohorts (gnomAD); Missense variant in a gene in which most reported pathogenic variants are truncating/loss of function; Has not been previously published as pathogenic or benign to our knowledge

Women's Health and Genetics/Laboratory Corporation of America, LabCorp
Classification: Uncertain significance. Last evaluated: 2022-05-31. Review status: criteria provided, single submitter. Criteria: LabCorp Variant Classification Summary - May 2015. Collection method: clinical testing. Allele origin: germline.
Comment: Variant summary: TTN c.4462A>G (p.Thr1488Ala) results in a non-conservative amino acid change located in the near Z-disk region of the encoded protein sequence. Four of five in-silico tools predict a damaging effect of the variant on protein function. The variant allele was found at a frequency of 1.2e-05 in 250924 control chromosomes (gnomAD). The available data on variant occurrences in the general population are insufficient to allow any conclusion about variant significance. To our knowledge, no occurrence of c.4462A>G in individuals affected with Dilated Cardiomyopathy and no experimental evidence demonstrating its impact on protein function have been reported. No clinical diagnostic laboratories have submitted clinical-significance assessments for this variant to ClinVar after 2014. Based on the evidence outlined above, the variant was classified as uncertain significance.

Ambry Genetics
Classification: Uncertain significance for Cardiovascular phenotype. Last evaluated: 2020-06-29. Review status: criteria provided, single submitter. Criteria: Ambry Variant Classification Scheme 2023. Collection method: clinical testing. Allele origin: germline.
Comment: The p.T1442A variant (also known as c.4324A>G), located in coding exon 23 of the TTN gene, results from an A to G substitution at nucleotide position 4324. The threonine at codon 1442 is replaced by alanine, an amino acid with similar properties. This amino acid position is highly conserved in available vertebrate species. In addition, the in silico prediction for this alteration is inconclusive. Since supporting evidence is limited at this time, the clinical significance of this alteration remains unclear.

NM_001267550.2(TTN):c.4462A>G (p.Thr1488Ala)

Genes: TTN (titin; minus strand), LOC101927055 (uncharacterized LOC101927055; plus strand). Cytogenetic location: 2q31.2.
Variant type: single nucleotide variant.
Coding change: c.4462A>G on transcript NM_001267550.2 (MANE Select); coding-DNA position 4462, A replaced by G.
Protein change: p.Thr1488Ala; replaces threonine 1488 with alanine.
Molecular consequence: missense variant. On other transcripts: non-coding transcript variant (1).
Genome position (GRCh38, 1-based): chr2:178,777,722, T>C on the plus strand (A>G on the coding strand, the complement: TTN is on the minus strand). VCF-style: chr2-178777722-T-C. GRCh37 (hg19) VCF-style: chr2-179642449-T-C.
Other names: c.4462A>G (NM_001267550.1); c.4462A>G, p.Thr1488Ala (NM_001256850.1, NM_133378.4, NM_133379.5); c.4324A>G, p.Thr1442Ala (NM_003319.4, NM_133432.3, NM_133437.4); short protein forms T1442A, T1488A.
Identifiers: ClinVar variation 1696006 (VCV001696006.5), dbSNP rs146732280, ClinGen allele CA2005324.
Genomic context (GRCh38, chr2:178,777,722, plus strand): 5'-TTGTGTTTTTATGATTCATGAGCAAAAACTTATCACGCTTACCATCATGAAACCAGAACG[T>C]CTCTGGCATAGGTCTACCAACAACCTTTAAGTCAAATCTGGCAGTTTGCCCTTCTAAACA-3'
Protein context (NP_001254479.2, residues 1478-1498): LKVVGRPMPE[Thr1488Ala]FWFHDGQQIV